The following is an entry in ClinVar:

NM_001041.4(SI):c.2923T>C (p.Tyr975His)

Gene: SI (sucrase-isomaltase; minus strand). Cytogenetic location: 3q26.1.
Variant type: single nucleotide variant.
Coding change: c.2923T>C on transcript NM_001041.4 (MANE Select); coding-DNA position 2923, T replaced by C.
Protein change: p.Tyr975His; replaces tyrosine 975 with histidine.
Molecular consequence: missense variant.
Genome position (GRCh38, 1-based): chr3:165,023,746, A>G on the plus strand (T>C on the coding strand, the complement: SI is on the minus strand). VCF-style: chr3-165023746-A-G. GRCh37 (hg19) VCF-style: chr3-164741534-A-G.
Other names: short protein forms Y975H.
Identifiers: ClinVar variation 344034 (VCV000344034.44), dbSNP rs146785675, ClinGen allele CA2690438.
Genomic context (GRCh38, chr3:165,023,746, plus strand): 5'-TACCCATGGATGAATAGCGAGCTGAGTTGACTGAATAAGAGTTATCTTGTCTGGGAAAGT[A>G]ACACTCAGGTGCTTTGGATAGAGAAGAACCCTAAAAACACAATGCATGTTCATTGCCAGA-3'
Protein context (NP_001032.2, residues 965-985): GSSLSKAPEC[Tyr975His]FPRQDNSYSV

ClinVar aggregate classification (germline): Conflicting classifications of pathogenicity. Review status: criteria provided, conflicting classifications (1 of 4 stars). 7 submissions from 7 submitters: Uncertain significance (3); Benign (1); Likely benign (2). 1 of the submissions does not count toward it. Last evaluated 2026-06-01.

Conditions:
Sucrase-isomaltase deficiency (CSID). Also called: SI DEFICIENCY; Congenital sucrose isomaltose malabsorption; Sucrose isomaltose enzyme deficiency; Deficiency of isomaltase. Identifiers: Orphanet 35122, MedGen C1283620, MONDO:0009114, OMIM 222900.
SI-related disorder. Also called: SI-related condition.

Allele frequency attached by ClinVar (database versions not stated): 1000 Genomes Project 0.00319; 1000 Genomes Project 30x 0.00328; ESP Exome Variant Server 0.00400; ExAC 0.00404; gnomAD exomes 0.00420 and 0.00495; gnomAD 0.00474 and 0.00477; TOPMed 0.00570.
gnomAD v4.1: 7,983 of 1,610,422 alleles (0.5%); highest among the groups gnomAD compares: Middle Eastern, 1.6%; 28 homozygotes.

Submissions (7):

CeGaT Center for Human Genetics Tuebingen
Classification: Likely benign. Last evaluated: 2026-06-01. Review status: criteria provided, single submitter. Criteria: CeGaT Center For Human Genetics Tuebingen Variant Classification Criteria Version 2. Collection method: clinical testing. Allele origin: germline. Affected: yes. Observed: 7 variant alleles.
Comment: SI: BP4, BS1

Labcorp Genetics (formerly Invitae), Labcorp
Classification: Benign. Last evaluated: 2026-02-03. Review status: criteria provided, single submitter. Criteria: Invitae Variant Classification Sherloc (09022015). Collection method: clinical testing. Allele origin: germline.

Blueprint Genetics
Classification: Likely benign. Last evaluated: 2024-11-23. Review status: criteria provided, single submitter. Criteria: ACMG Guidelines, 2015. Collection method: clinical testing. Allele origin: germline.

GeneDx
Classification: Uncertain significance. Last evaluated: 2024-07-16. Review status: criteria provided, single submitter. Criteria: GeneDx Variant Classification Process June 2021. Collection method: clinical testing. Allele origin: germline. Affected: yes.
Comment: Reported as a single heterozygous variant or with a second SI variant, phase unknown, in patients with functional gastrointestinal disorders and abnormal sucrase activity from duodenal biopsy (PMID: 32732636); In silico analysis supports that this missense variant has a deleterious effect on protein structure/function; This variant is associated with the following publications: (PMID: 34426522, 37790351, 36878682, 32732636, 29408290, 31331993, 37349966)

Revvity Omics, Revvity
Classification: Uncertain significance for Sucrase-isomaltase deficiency. Last evaluated: 2020-02-28. Review status: criteria provided, single submitter. Criteria: ACMG Guidelines, 2015. Collection method: clinical testing. Allele origin: germline.

Illumina Laboratory Services, Illumina
Classification: Uncertain significance for Sucrase-isomaltase deficiency. Last evaluated: 2018-01-13. Review status: criteria provided, single submitter. Criteria: ICSL Variant Classification Criteria 13 December 2019. Collection method: clinical testing. Allele origin: germline.

PreventionGenetics, part of Exact Sciences
Classification: Likely benign for SI-related condition. Last evaluated: 2023-09-29. Review status: no assertion criteria provided. Collection method: clinical testing. Allele origin: germline. Not counted in ClinVar's aggregate classification.
Comment: This variant is classified as likely benign based on ACMG/AMP sequence variant interpretation guidelines (Richards et al. 2015 PMID: 25741868, with internal and published modifications).